The following is an entry in ClinVar:

ClinVar aggregate classification (germline): Uncertain significance (1 of 4 stars; one submission).

Allele frequency attached by ClinVar (database versions not stated): gnomAD exomes below 0.00001; gnomAD 0.00002; TOPMed 0.00002.
gnomAD v4.1: 7 of 1,613,760 alleles (0.00043%); highest among the groups gnomAD compares: Admixed American, 0.0017%; no homozygotes.

Submission:

Labcorp Genetics (formerly Invitae), Labcorp
Classification: Uncertain significance. Last evaluated: 2022-12-28. Review status: criteria provided, single submitter. Criteria: Invitae Variant Classification Sherloc (09022015). Collection method: clinical testing. Allele origin: germline.
Comment: This variant has not been reported in the literature in individuals affected with ANK3-related conditions. This sequence change replaces leucine, which is neutral and non-polar, with serine, which is neutral and polar, at codon 3092 of the ANK3 protein (p.Leu3092Ser). This variant is present in population databases (no rsID available, gnomAD 0.003%). Advanced modeling of protein sequence and biophysical properties (such as structural, functional, and spatial information, amino acid conservation, physicochemical variation, residue mobility, and thermodynamic stability) performed at Invitae indicates that this missense variant is expected to disrupt ANK3 protein function. In summary, the available evidence is currently insufficient to determine the role of this variant in disease. Therefore, it has been classified as a Variant of Uncertain Significance.

NM_020987.5(ANK3):c.9275T>C (p.Leu3092Ser)

Gene: ANK3 (ankyrin 3; minus strand). Cytogenetic location: 10q21.2.
Variant type: single nucleotide variant.
Coding change: c.9275T>C on transcript NM_020987.5 (MANE Select); coding-DNA position 9275, T replaced by C.
Protein change: p.Leu3092Ser; replaces leucine 3092 with serine.
Molecular consequence: missense variant. On other transcripts: intron variant (4).
Genome position (GRCh38, 1-based): chr10:60,071,606, A>G on the plus strand (T>C on the coding strand, the complement: ANK3 is on the minus strand). VCF-style: chr10-60071606-A-G. GRCh37 (hg19) VCF-style: chr10-61831364-A-G.
Other names: c.4388-3597T>C (NM_001204403.2); c.4409-3597T>C (NM_001204404.2); c.4406-3597T>C (NM_001320874.2); c.1808-3597T>C (NM_001149.4); short protein forms L3092S.
Identifiers: ClinVar variation 2069067 (VCV002069067.3), dbSNP rs929130072, ClinGen allele CA207324399.